The following is an entry in ClinVar:

NM_001376.5(DYNC1H1):c.13091_13093dup (p.Thr4364_Arg4365insThr)

Gene: DYNC1H1 (dynein cytoplasmic 1 heavy chain 1; plus strand). Cytogenetic location: 14q32.31.
Variant type: Duplication.
Coding change: c.13091_13093dup on transcript NM_001376.5 (MANE Select); coding-DNA positions 13091 to 13093, 3 bases duplicated (CGA; older notation c.13091_13093dupCGA).
Protein change: p.Thr4364_Arg4365insThr.
Molecular consequence: inframe insertion.
Genome position (GRCh38, 1-based): chr14:102,047,901-102,047,903, CGA duplicated; duplicating any 3 consecutive bases within chr14:102,047,899-102,047,903 gives the same sequence; the c. name uses the placement nearest the transcript's 3' end. VCF-style (leftmost placement, unchanged base first): chr14-102047898-A-AGAC. GRCh37 (hg19) VCF-style: chr14-102514235-A-AGAC.
Identifiers: ClinVar variation 2915789 (VCV002915789.3), dbSNP rs879743942, ClinGen allele CA616355832.

ClinVar aggregate classification (germline): Uncertain significance (1 of 4 stars; one submission).

Conditions:
Charcot-Marie-Tooth disease axonal type 2O. Also called: CHARCOT-MARIE-TOOTH NEUROPATHY, AXONAL, TYPE 2O; CHARCOT-MARIE-TOOTH DISEASE, AXONAL, AUTOSOMAL DOMINANT, TYPE 2O; Charcot-Marie-Tooth disease, axonal, type 20; Charcot-Marie-Tooth Neuropathy Type 2O. Identifiers: Orphanet 284232, MedGen C3280220, MONDO:0013644, OMIM 614228.

Submission:

Labcorp Genetics (formerly Invitae), Labcorp
Classification: Uncertain significance for Charcot-Marie-Tooth disease axonal type 2O. Last evaluated: 2026-01-01. Review status: criteria provided, single submitter. Criteria: Invitae Variant Classification Sherloc (09022015). Collection method: clinical testing. Allele origin: germline.
Comment: This variant, c.13091_13093dup, results in the insertion of 1 amino acid(s) of the DYNC1H1 protein (p.Thr4364dup), but otherwise preserves the integrity of the reading frame. This variant is present in population databases (no rsID available, gnomAD 0.0009%). This variant has not been reported in the literature in individuals affected with DYNC1H1-related conditions. ClinVar contains an entry for this variant (Variation ID: 2915789). In summary, the available evidence is currently insufficient to determine the role of this variant in disease. Therefore, it has been classified as a Variant of Uncertain Significance.